The following is an entry in ClinVar:

ClinVar aggregate classification (germline): Uncertain significance. Review status: criteria provided, multiple submitters, no conflicts (2 of 4 stars). 3 submissions from 3 submitters: Uncertain significance (2). 1 of the submissions does not count toward it. Last evaluated 2026-02-17.

Conditions:
PKD1-related disorder. Also called: PKD1-related condition.
Autosomal dominant polycystic kidney disease. Identifiers: Orphanet 730, MedGen C0085413, MONDO:0004691.

Allele frequency attached by ClinVar (database versions not stated): gnomAD exomes 0.00001 and 0.00003; ExAC 0.00002.
gnomAD v4.1: 24 of 1,609,064 alleles (0.0015%); highest among the groups gnomAD compares: East Asian, 0.0045%; no homozygotes.

Submissions (3):

PreventionGenetics, part of Exact Sciences
Classification: Uncertain significance for PKD1-related condition. Last evaluated: 2026-02-17. Review status: criteria provided, single submitter. Criteria: ACMG Guidelines, 2015. Collection method: clinical testing. Allele origin: germline.
Comment: The PKD1 c.3865G>A variant is predicted to result in the amino acid substitution p.Val1289Met. This variant has been previously reported in individuals with autosomal dominant polycystic kidney disease (ADPKD) (Family 4, Dong et al 2020. PubMed ID: 32970388; Supplemental Table 1, Xu et al. 2024. PubMed ID: 38527221). This variant is reported in 0.021% of alleles in individuals of European (Finnish) descent in gnomAD. At this time, the clinical significance of this variant is uncertain due to the absence of conclusive functional and genetic evidence.

Blueprint Genetics
Classification: Uncertain significance. Last evaluated: 2023-02-24. Review status: criteria provided, single submitter. Criteria: ACMG Guidelines, 2015. Collection method: clinical testing. Allele origin: germline.

Laboratory of Gastroenterology and Hepatology, Radboud University Medical Center
Classification: Likely pathogenic for Autosomal dominant polycystic kidney disease. Last evaluated: 2021-09-01. Review status: no assertion criteria provided. Collection method: research. Allele origin: germline. Affected: yes. Not counted in ClinVar's aggregate classification.

NM_001009944.3(PKD1):c.3865G>A (p.Val1289Met)

Gene: PKD1 (polycystin 1, transient receptor potential channel interacting; minus strand). Cytogenetic location: 16p13.3.
Variant type: single nucleotide variant.
Coding change: c.3865G>A on transcript NM_001009944.3 (MANE Select); coding-DNA position 3865, G replaced by A.
Protein change: p.Val1289Met; replaces valine 1289 with methionine.
Molecular consequence: missense variant.
Genome position (GRCh38, 1-based): chr16:2,111,302, C>T on the plus strand (G>A on the coding strand, the complement: PKD1 is on the minus strand). VCF-style: chr16-2111302-C-T. GRCh37 (hg19) VCF-style: chr16-2161303-C-T.
Other names: c.3865G>A, p.Val1289Met (NM_000296.4); c.3865G>A (NM_001009944.2); short protein forms V1289M.
Identifiers: ClinVar variation 1255644 (VCV001255644.4), dbSNP rs541552030, ClinGen allele CA7832608.